The following is an entry in ClinVar:

NM_017433.5(MYO3A):c.103G>A (p.Val35Ile)

Gene: MYO3A (myosin IIIA; plus strand). Cytogenetic location: 10p12.1.
Variant type: single nucleotide variant.
Coding change: c.103G>A on transcript NM_017433.5 (MANE Select); coding-DNA position 103, G replaced by A.
Protein change: p.Val35Ile; replaces valine 35 with isoleucine.
Molecular consequence: missense variant.
Genome position (GRCh38, 1-based): chr10:25,952,213, G>A. VCF-style: chr10-25952213-G-A. GRCh37 (hg19) VCF-style: chr10-26241142-G-A.
Other names: c.103G>A, p.Val35Ile (NM_001368265.1); short protein forms V35I.
Identifiers: ClinVar variation 2580670 (VCV002580670.1), dbSNP rs2491707819, ClinGen allele CA376331519.

ClinVar aggregate classification (germline): Uncertain significance (1 of 4 stars; one submission).

Allele frequency attached by ClinVar (database versions not stated): gnomAD exomes below 0.00001.
gnomAD v4.1: 3 of 1,612,806 alleles (0.00019%); highest among the groups gnomAD compares: Non-Finnish European, 0.00025%; no homozygotes.

Submission:

GeneDx
Classification: Uncertain significance. Last evaluated: 2023-03-21. Review status: criteria provided, single submitter. Criteria: GeneDx Variant Classification Process June 2021. Collection method: clinical testing. Allele origin: germline. Affected: yes.
Comment: Not observed at significant frequency in large population cohorts (gnomAD); In silico analysis supports that this missense variant does not alter protein structure/function; Has not been previously published as pathogenic or benign to our knowledge